The following is an entry in ClinVar:

ClinVar aggregate classification (germline): Uncertain significance (1 of 4 stars; one submission).

Conditions:
Dilated cardiomyopathy 1D. Identifiers: Orphanet 154, Orphanet 54260, MedGen C1832243, MONDO:0011095, OMIM 601494.
Hypertrophic cardiomyopathy 2. Also called: TNNT2-Related Familial Hypertrophic Cardiomyopathy. Identifiers: MedGen C1861864, MONDO:0007266, OMIM 115195.
Cardiomyopathy, familial restrictive, 3. Identifiers: Orphanet 75249, MedGen C2676271, MONDO:0012900, OMIM 612422.

gnomAD v4.1: 1 of 1,614,196 alleles (0.000062%); highest among the groups gnomAD compares: East Asian, 0.0022%; no homozygotes.

Submission:

Labcorp Genetics (formerly Invitae), Labcorp
Classification: Uncertain significance for Cardiomyopathy, familial restrictive, 3; Hypertrophic cardiomyopathy 2; Dilated cardiomyopathy 1D. Last evaluated: 2025-06-04. Review status: criteria provided, single submitter. Criteria: Invitae Variant Classification Sherloc (09022015). Collection method: clinical testing. Allele origin: germline.
Comment: This sequence change replaces serine, which is neutral and polar, with arginine, which is basic and polar, at codon 239 of the TNNT2 protein (p.Ser239Arg). This variant is not present in population databases (gnomAD no frequency). This variant has not been reported in the literature in individuals affected with TNNT2-related conditions. Invitae Evidence Modeling of protein sequence and biophysical properties (such as structural, functional, and spatial information, amino acid conservation, physicochemical variation, residue mobility, and thermodynamic stability) indicates that this missense variant is not expected to disrupt TNNT2 protein function with a negative predictive value of 80%. In summary, the available evidence is currently insufficient to determine the role of this variant in disease. Therefore, it has been classified as a Variant of Uncertain Significance.

NM_001276345.2(TNNT2):c.747C>A (p.Ser249Arg)

Gene: TNNT2 (troponin T2, cardiac type; minus strand). Cytogenetic location: 1q32.1.
Variant type: single nucleotide variant.
Coding change: c.747C>A on transcript NM_001276345.2 (MANE Select); coding-DNA position 747, C replaced by A.
Protein change: p.Ser249Arg; replaces serine 249 with arginine.
Molecular consequence: missense variant.
Genome position (GRCh38, 1-based): chr1:201,361,342, G>T on the plus strand (C>A on the coding strand, the complement: TNNT2 is on the minus strand). VCF-style: chr1-201361342-G-T. GRCh37 (hg19) VCF-style: chr1-201330470-G-T.
Other names: c.738C>A, p.Ser246Arg (NM_000364.4, NM_001406723.1); c.717C>A, p.Ser239Arg (NM_001001430.3, NM_001276347.2, NM_001406724.1); c.708C>A, p.Ser236Arg (NM_001001431.3, NM_001406726.1, NM_001406727.1); c.699C>A, p.Ser233Arg (NM_001001432.3); c.618C>A, p.Ser206Arg (NM_001276346.2); c.714C>A, p.Ser238Arg (NM_001406725.1); c.702C>A, p.Ser234Arg (NM_001406728.1); short protein forms S238R, S239R, S206R, S234R, S236R, S233R, S246R, S249R.
Identifiers: ClinVar variation 4792811 (VCV004792811.1).
Genomic context (GRCh38, chr1:201,361,342, plus strand): 5'-ATATTTCTGCTGCTTGAACTTCTCCTGCAGGTCGAACTTCTCTGCCTCCAAGTTATAGAT[G>T]CTCTGCCACAGCTCCTTGGCCTTCTCCCTGCACGGGCAAGGGTGAGAATGGGGAGGTCCA-3'
Protein context (NP_001263274.1, residues 239-259): LREKAKELWQ[Ser249Arg]IYNLEAEKFD